The following is an entry in ClinVar:

NM_006348.5(COG5):c.1026+4T>C

Gene: COG5 (component of oligomeric golgi complex 5; minus strand). Cytogenetic location: 7q22.3.
Variant type: single nucleotide variant.
Coding change: c.1026+4T>C on transcript NM_006348.5 (MANE Select); 4 bases into the intron after coding-DNA position 1026, T replaced by C.
Molecular consequence: intron variant.
Genome position (GRCh38, 1-based): chr7:107,362,029, A>G on the plus strand (T>C on the coding strand, the complement: COG5 is on the minus strand). VCF-style: chr7-107362029-A-G. GRCh37 (hg19) VCF-style: chr7-107002474-A-G.
Other names: c.312+4T>C (NM_001379516.1); c.539-63683T>C (NM_001379515.1); c.1026+4T>C (NM_001379511.1, NM_001379512.1, NM_181733.4 and 3 more transcripts).
Identifiers: ClinVar variation 648576 (VCV000648576.5), dbSNP rs748372051, ClinGen allele CA4431033.

ClinVar aggregate classification (germline): Uncertain significance (1 of 4 stars; one submission).

Conditions:
COG5-congenital disorder of glycosylation. Also called: COG5-CDG; CONGENITAL DISORDER OF GLYCOSYLATION, TYPE IIi; CDG IIi. Identifiers: Orphanet 263487, MedGen C3150876, MONDO:0013325, OMIM 613612.

Allele frequency attached by ClinVar (database versions not stated): gnomAD 0.00001 and 0.00002; gnomAD exomes 0.00002; TOPMed 0.00002; ExAC 0.00003.
gnomAD v4.1: 23 of 1,579,576 alleles (0.0015%); highest among the groups gnomAD compares: Non-Finnish European, 0.0019%; no homozygotes.

Submission:

Labcorp Genetics (formerly Invitae), Labcorp
Classification: Uncertain significance for COG5-congenital disorder of glycosylation. Last evaluated: 2025-07-06. Review status: criteria provided, single submitter. Criteria: Invitae Variant Classification Sherloc (09022015). Collection method: clinical testing. Allele origin: germline.
Comment: This sequence change falls in intron 10 of the COG5 gene. It does not directly change the encoded amino acid sequence of the COG5 protein. It affects a nucleotide within the consensus splice site. This variant is present in population databases (rs748372051, gnomAD 0.003%). This variant has not been reported in the literature in individuals affected with COG5-related conditions. ClinVar contains an entry for this variant (Variation ID: 648576). Variants that disrupt the consensus splice site are a relatively common cause of aberrant splicing (PMID: 17576681, 9536098). Algorithms developed to predict the effect of sequence changes on RNA splicing suggest that this variant is not likely to affect RNA splicing. In summary, the available evidence is currently insufficient to determine the role of this variant in disease. Therefore, it has been classified as a Variant of Uncertain Significance.

Literature cited by the submitters: PubMed 17576681; PubMed 9536098.